The following is an entry in ClinVar:

ClinVar aggregate classification (germline): Uncertain significance (1 of 4 stars; one submission).

Conditions:
Emery-Dreifuss muscular dystrophy (EDMD). Also called: Scapuloperoneal syndrome, X-linked (formerly); Humeroperoneal neuromuscular disease, (formerly). Identifiers: Orphanet 261, MedGen C0410189, MONDO:0016830.

Allele frequency attached by ClinVar (database versions not stated): TOPMed 0.00002; gnomAD 0.00008 and 0.00009; gnomAD exomes 0.00012; ExAC 0.00020.
gnomAD v4.1: 68 of 1,597,120 alleles (0.0043%); highest among the groups gnomAD compares: African/African-American, 0.0013%; no homozygotes.

Submission:

Labcorp Genetics (formerly Invitae), Labcorp
Classification: Uncertain significance for Emery-Dreifuss muscular dystrophy. Last evaluated: 2020-11-06. Review status: criteria provided, single submitter. Criteria: Invitae Variant Classification Sherloc (09022015). Collection method: clinical testing. Allele origin: germline.
Comment: In summary, the available evidence is currently insufficient to determine the role of this variant in disease. Therefore, it has been classified as a Variant of Uncertain Significance. Algorithms developed to predict the effect of missense changes on protein structure and function output the following: SIFT: "Deleterious"; PolyPhen-2: "Benign"; Align-GVGD: "Class C0". The histidine amino acid residue is found in multiple mammalian species, suggesting that this missense change does not adversely affect protein function. These predictions have not been confirmed by published functional studies and their clinical significance is uncertain. This variant has not been reported in the literature in individuals with SUN2-related conditions. This variant is present in population databases (rs775651955, ExAC 0.4%). This sequence change replaces arginine with histidine at codon 387 of the SUN2 protein (p.Arg387His). The arginine residue is moderately conserved and there is a small physicochemical difference between arginine and histidine.

NM_015374.3(SUN2):c.1160G>A (p.Arg387His)

Genes: GTPBP1 (GTP binding protein 1; plus strand), SUN2 (Sad1 and UNC84 domain containing 2; minus strand). Cytogenetic location: 22q13.1.
Variant type: single nucleotide variant.
Coding change: c.1160G>A on transcript NM_015374.3 (MANE Select); coding-DNA position 1160, G replaced by A.
Protein change: p.Arg387His; replaces arginine 387 with histidine.
Molecular consequence: missense variant. On other transcripts: intron variant (3).
Genome position (GRCh38, 1-based): chr22:38,741,037, C>T on the plus strand (G>A on the coding strand, the complement: SUN2 is on the minus strand). VCF-style: chr22-38741037-C-T. GRCh37 (hg19) VCF-style: chr22-39137042-C-T.
Other names: c.1223G>A, p.Arg408His (NM_001199579.2, NM_001394428.1); c.1160G>A, p.Arg387His (NM_001199580.2, NM_001394431.1, NM_001394432.1 and 5 more transcripts); c.1253G>A, p.Arg418His (NM_001394427.1); c.1205G>A, p.Arg402His (NM_001394429.1, NM_001394430.1); c.1070G>A, p.Arg357His (NM_001394438.1); c.1022G>A, p.Arg341His (NM_001394439.1, NM_001394440.1, NM_001394441.1); c.668G>A, p.Arg223His (NM_001394443.1); c.615-605G>A (NM_001394444.1, NM_001394445.1); and 1 more; short protein forms R223H, R418H, R341H, R357H, R387H, R402H, R408H.
Identifiers: ClinVar variation 1497434 (VCV001497434.8), dbSNP rs775651955, ClinGen allele CA10235638.